The following is an entry in ClinVar:

ClinVar aggregate classification (germline): Pathogenic/Likely pathogenic. Review status: criteria provided, multiple submitters, no conflicts (2 of 4 stars). 3 submissions from 3 submitters: Pathogenic (1); Likely pathogenic (2). Last evaluated 2025-12-06.

Conditions:
Age related macular degeneration 7. Identifiers: MedGen C1857813, MONDO:0012419, OMIM 610149.

Allele frequency attached by ClinVar (database versions not stated): gnomAD 0.00001.
gnomAD v4.1: 5 of 1,612,994 alleles (0.00031%); highest among the groups gnomAD compares: Non-Finnish European, 0.00034%; no homozygotes.

Submissions (3):

Labcorp Genetics (formerly Invitae), Labcorp
Classification: Likely pathogenic. Last evaluated: 2025-12-06. Review status: criteria provided, single submitter. Criteria: Invitae Variant Classification Sherloc (09022015). Collection method: clinical testing. Allele origin: germline.
Comment: This sequence change affects a donor splice site in intron 4 of the HTRA1 gene. It is expected to disrupt RNA splicing. Variants that disrupt the donor or acceptor splice site typically lead to a loss of protein function (PMID: 16199547), and loss-of-function variants in HTRA1 are known to be pathogenic (PMID: 19387015, 29895533). This variant is present in population databases (no rsID available, gnomAD 0.007%). This variant has not been reported in the literature in individuals affected with HTRA1-related conditions. ClinVar contains an entry for this variant (Variation ID: 1948614). Algorithms developed to predict the effect of sequence changes on RNA splicing suggest that this variant may disrupt the consensus splice site. In summary, the currently available evidence indicates that the variant is pathogenic, but additional data are needed to prove that conclusively. Therefore, this variant has been classified as Likely Pathogenic.

Genomic Medicine Center of Excellence, King Faisal Specialist Hospital and Research Centre
Classification: Pathogenic for Macular degeneration, age-related, 7. Last evaluated: 2024-03-14. Review status: criteria provided, single submitter. Criteria: ACMG Guidelines, 2015. Collection method: clinical testing. Allele origin: germline.

GeneDx
Classification: Likely pathogenic. Last evaluated: 2023-07-21. Review status: criteria provided, single submitter. Criteria: GeneDx Variant Classification Process June 2021. Collection method: clinical testing. Allele origin: germline. Affected: yes.
Comment: Canonical splice site variant predicted to result in an in-frame loss of the adjacent exon in a gene for which loss of function is a known mechanism of disease; Not observed at a significant frequency in large population cohorts (gnomAD); Has not been previously published as pathogenic or benign to our knowledge

Literature cited by the submitters: PubMed 16199547 (cited by Labcorp Genetics (formerly Invitae), Labcorp); PubMed 19387015 (cited by Labcorp Genetics (formerly Invitae), Labcorp); PubMed 29895533 (cited by Labcorp Genetics (formerly Invitae), Labcorp).

NM_002775.5(HTRA1):c.972+1G>A

Gene: HTRA1 (HtrA serine peptidase 1; plus strand). Cytogenetic location: 10q26.13.
Variant type: single nucleotide variant.
Coding change: c.972+1G>A on transcript NM_002775.5 (MANE Select); the canonical splice donor site of the intron after coding-DNA position 972, G replaced by A.
Molecular consequence: splice donor variant.
Genome position (GRCh38, 1-based): chr10:122,506,886, G>A. VCF-style: chr10-122506886-G-A. GRCh37 (hg19) VCF-style: chr10-124266402-G-A.
Identifiers: ClinVar variation 1948614 (VCV001948614.7), dbSNP rs1432594571, ClinGen allele CA378585883.